The following is an entry in ClinVar:

ClinVar aggregate classification (germline): Uncertain significance (1 of 4 stars; one submission).

gnomAD v4.1: 2 of 1,614,050 alleles (0.00012%); highest among the groups gnomAD compares: African/African-American, 0.0013%; no homozygotes.

Submission:

Mayo Clinic Laboratories, Mayo Clinic
Classification: Uncertain significance. Last evaluated: 2023-11-22. Review status: criteria provided, single submitter. Criteria: ACMG Guidelines, 2015. Collection method: clinical testing. Allele origin: germline. Observed: 1 variant allele.
Comment: PM2_moderate

NM_000263.4(NAGLU):c.1238A>G (p.Asn413Ser)

Gene: NAGLU (N-acetyl-alpha-glucosaminidase; plus strand). Cytogenetic location: 17q21.2.
Variant type: single nucleotide variant.
Coding change: c.1238A>G on transcript NM_000263.4 (MANE Select); coding-DNA position 1238, A replaced by G.
Protein change: p.Asn413Ser; replaces asparagine 413 with serine.
Molecular consequence: missense variant.
Genome position (GRCh38, 1-based): chr17:42,543,244, A>G. VCF-style: chr17-42543244-A-G. GRCh37 (hg19) VCF-style: chr17-40695262-A-G.
Other names: p.Asn413Ser; short protein forms N413S.
Identifiers: ClinVar variation 3380486 (VCV003380486.1).